The following is an entry in ClinVar:

NM_001256715.2(DNAAF3):c.1475dup (p.Leu493fs)

Gene: DNAAF3 (dynein axonemal assembly factor 3; minus strand). Cytogenetic location: 19q13.42.
Variant type: Duplication.
Coding change: c.1475dup on transcript NM_001256715.2 (MANE Select); coding-DNA position 1475, one base duplicated (G; older notation c.1475dupG).
Protein change: p.Leu493fs; shifts the reading frame from leucine 493.
Molecular consequence: frameshift variant.
Genome position (GRCh38, 1-based): chr19:55,159,213, C duplicated on the plus strand (G on the coding strand, the reverse complement: DNAAF3 is on the minus strand); the first of 3 consecutive C bases (chr19:55,159,213-55,159,215); duplicating any one gives the same sequence. VCF-style (leftmost placement, unchanged base first): chr19-55159212-G-GC. GRCh37 (hg19) VCF-style: chr19-55670580-G-GC.
Other names: c.1676dup, p.Leu560fs (NM_001256714.1); c.1313dup, p.Leu439fs (NM_001256716.2); c.1616dup, p.Leu540fs (NM_178837.4); c.1676dupG (NM_001256714.1); short protein forms L439fs, L560fs, L493fs, L540fs.
Identifiers: ClinVar variation 454618 (VCV000454618.7), dbSNP rs1258490043, ClinGen allele CA633906325.

ClinVar aggregate classification (germline): Uncertain significance (1 of 4 stars; one submission).

Conditions:
Primary ciliary dyskinesia. Also called: Ciliary dyskinesia. Identifiers: Orphanet 244, MedGen C0008780, MONDO:0016575, HP:0012265.

Submission:

Labcorp Genetics (formerly Invitae), Labcorp
Classification: Uncertain significance for Primary ciliary dyskinesia. Last evaluated: 2025-12-08. Review status: criteria provided, single submitter. Criteria: Invitae Variant Classification Sherloc (09022015). Collection method: clinical testing. Allele origin: germline.
Comment: This sequence change creates a premature translational stop signal (p.Leu560Profs*13) in the DNAAF3 gene. While this is not anticipated to result in nonsense mediated decay, it is expected to disrupt the last 49 amino acid(s) of the DNAAF3 protein. This variant is present in population databases (no rsID available, gnomAD 0.007%). This variant has not been reported in the literature in individuals affected with DNAAF3-related conditions. ClinVar contains an entry for this variant (Variation ID: 454618). In summary, the available evidence is currently insufficient to determine the role of this variant in disease. Therefore, it has been classified as a Variant of Uncertain Significance.